The following is an entry in ClinVar:

NC_000023.10:g.(?_77359838)_(77381327_?)del

Gene: PGK1 (phosphoglycerate kinase 1; plus strand). Cytogenetic location: Xq21.1.
Variant type: Deletion.
Identifiers: ClinVar variation 3245756 (VCV003245756.1).

ClinVar aggregate classification (germline): Uncertain significance (1 of 4 stars; one submission).

Submission:

Labcorp Genetics (formerly Invitae), Labcorp
Classification: Uncertain significance. Last evaluated: 2023-04-12. Review status: criteria provided, single submitter. Criteria: Invitae Variant Classification Sherloc (09022015). Collection method: clinical testing. Allele origin: unknown.
Comment: In summary, the available evidence is currently insufficient to determine the role of this variant in disease. Therefore, it has been classified as a Variant of Uncertain Significance. Experimental studies and prediction algorithms are not available or were not evaluated, and the functional significance of this variant is currently unknown. This variant has not been reported in the literature in individuals affected with PGK1-related conditions. A gross deletion of the genomic region encompassing the full coding sequence of the PGK1 gene has been identified. The current clinical and genetic evidence is not sufficient to establish whether loss-of-function variants in PGK1 cause disease. The boundaries of this event are unknown as they extend beyond the assayed region for this gene and therefore may encompass additional genes.